The following is an entry in ClinVar:

NM_006218.4(PIK3CA):c.2655C>G (p.Asn885Lys)

Gene: PIK3CA (phosphatidylinositol-4,5-bisphosphate 3-kinase catalytic subunit alpha; plus strand). Cytogenetic location: 3q26.32.
Variant type: single nucleotide variant.
Coding change: c.2655C>G on transcript NM_006218.4 (MANE Select); coding-DNA position 2655, C replaced by G.
Protein change: p.Asn885Lys; replaces asparagine 885 with lysine.
Molecular consequence: missense variant.
Genome position (GRCh38, 1-based): chr3:179,229,431, C>G. VCF-style: chr3-179229431-C-G. GRCh37 (hg19) VCF-style: chr3-178947219-C-G.
Other names: short protein forms N885K.
Identifiers: ClinVar variation 1794363 (VCV001794363.2), dbSNP rs1347509342, ClinGen allele CA355278951.

ClinVar aggregate classification (germline): Uncertain significance (1 of 4 stars; one submission).

Conditions:
Inborn genetic diseases. Identifiers: MedGen C0950123, MeSH D030342.

Allele frequency attached by ClinVar (database versions not stated): gnomAD 0.00001.
gnomAD v4.1: 1 of 1,610,172 alleles (0.000062%); highest among the groups gnomAD compares: Non-Finnish European, 0.000085%; no homozygotes.

Submission:

Ambry Genetics
Classification: Uncertain significance for Inborn genetic diseases. Last evaluated: 2021-09-28. Review status: criteria provided, single submitter. Criteria: Ambry Variant Classification Scheme 2023. Collection method: clinical testing. Allele origin: germline.
Comment: The p.N885K variant (also known as c.2655C>G), located in coding exon 17 of the PIK3CA gene, results from a C to G substitution at nucleotide position 2655. The asparagine at codon 885 is replaced by lysine, an amino acid with similar properties. This amino acid position is conserved. In addition, the in silico prediction for this alteration is inconclusive. Since supporting evidence is limited at this time, the clinical significance of this alteration remains unclear.